The following is an entry in ClinVar:

NM_012175.4(FBXO3):c.378C>T (p.Asp126=)

Gene: FBXO3 (F-box protein 3; minus strand). Cytogenetic location: 11p13.
Variant type: single nucleotide variant.
Coding change: c.378C>T on transcript NM_012175.4 (MANE Select); coding-DNA position 378, C replaced by T.
Protein change: p.Asp126=; no amino-acid change (aspartic acid 126 retained).
Molecular consequence: synonymous variant.
Genome position (GRCh38, 1-based): chr11:33,758,582, G>A on the plus strand (C>T on the coding strand, the complement: FBXO3 is on the minus strand). VCF-style: chr11-33758582-G-A. GRCh37 (hg19) VCF-style: chr11-33780128-G-A.
Other names: c.378C>T, p.Asp126= (NM_033406.4).
Identifiers: ClinVar variation 2641720 (VCV002641720.24), dbSNP rs760270591, ClinGen allele CA5941095.
Genomic context (GRCh38, chr11:33,758,582, plus strand): 5'-GTATGAACATCGATAATCGTCAGGAAGCTTGCAGCCAATCTGCGCTTCCACAGCATCGAG[G>A]TCTTCCTCTCGAGCACCCTCTATAAAGGCACAAAAAAGAGTGAATTGTGAAGAAACAGCC-3'
Protein context (NP_036307.2, residues 116-136): LSLKEGAREE[Asp126=]LDAVEAQIGC

ClinVar aggregate classification (germline): Likely benign (1 of 4 stars; one submission).

Allele frequency attached by ClinVar (database versions not stated): ExAC 0.00001; gnomAD 0.00001; gnomAD exomes 0.00001; TOPMed 0.00002.
gnomAD v4.1: 24 of 1,607,092 alleles (0.0015%); highest among the groups gnomAD compares: Admixed American, 0.013%; no homozygotes.

Submission:

CeGaT Center for Human Genetics Tuebingen
Classification: Likely benign. Last evaluated: 2022-06-01. Review status: criteria provided, single submitter. Criteria: CeGaT Center For Human Genetics Tuebingen Variant Classification Criteria Version 2. Collection method: clinical testing. Allele origin: germline. Affected: yes. Observed: 1 variant allele.
Comment: FBXO3: BP4, BP7